The following is an entry in ClinVar:

NM_007118.4(TRIO):c.6993del (p.Ser2332fs)

Gene: TRIO (trio Rho guanine nucleotide exchange factor; plus strand). Cytogenetic location: 5p15.2.
Variant type: Deletion.
Coding change: c.6993del on transcript NM_007118.4 (MANE Select); coding-DNA position 6993, one base deleted (C; older notation c.6993delC).
Protein change: p.Ser2332fs; shifts the reading frame from serine 2332.
Molecular consequence: frameshift variant. On other transcripts: non-coding transcript variant (1).
Genome position (GRCh38, 1-based): chr5:14,487,621, C deleted; the last of 5 consecutive C bases (chr5:14,487,617-14,487,621); deleting any one gives the same sequence. VCF-style (leftmost placement, unchanged base first): chr5-14487616-GC-G. GRCh37 (hg19) VCF-style: chr5-14487725-GC-G.
Other names: short protein forms S2332fs.
Identifiers: ClinVar variation 4191194 (VCV004191194.1).

ClinVar aggregate classification (germline): Pathogenic (1 of 4 stars; one submission).

Conditions:
Inborn genetic diseases. Identifiers: MedGen C0950123, MeSH D030342.

Submission:

Ambry Genetics
Classification: Pathogenic for Inborn genetic diseases. Last evaluated: 2025-06-23. Review status: criteria provided, single submitter. Criteria: Ambry Variant Classification Scheme 2023. Collection method: clinical testing. Allele origin: germline.
Comment: The c.6993delC (p.S2332Afs*81) alteration, located in exon 48 (coding exon 48) of the TRIO gene, consists of a deletion of one nucleotide at position 6993, causing a translational frameshift with a predicted alternate stop codon after 81 amino acids. This alteration is expected to result in loss of function by premature protein truncation or nonsense-mediated mRNA decay. for TRIO-related neurodevelopmental disorder with microcephaly; however, it is unlikely to be causative of TRIO-related neurodevelopmental disorder with macrocephaly. This variant was not reported in population-based cohorts in the Genome Aggregation Database (gnomAD). Based on the available evidence, this alteration is classified as pathogenic.